The following is an entry in ClinVar:

NM_000046.5(ARSB):c.593A>G (p.Asp198Gly)

Gene: ARSB (arylsulfatase B; minus strand). Cytogenetic location: 5q14.1.
Variant type: single nucleotide variant.
Coding change: c.593A>G on transcript NM_000046.5 (MANE Select); coding-DNA position 593, A replaced by G.
Protein change: p.Asp198Gly; replaces aspartic acid 198 with glycine.
Molecular consequence: missense variant.
Genome position (GRCh38, 1-based): chr5:78,964,513, T>C on the plus strand (A>G on the coding strand, the complement: ARSB is on the minus strand). VCF-style: chr5-78964513-T-C. GRCh37 (hg19) VCF-style: chr5-78260336-T-C.
Other names: c.593A>G, p.Asp198Gly (NM_198709.3); short protein forms D198G.
Identifiers: ClinVar variation 1347251 (VCV001347251.8), dbSNP rs1406969234, ClinGen allele CA360193280.

ClinVar aggregate classification (germline): Uncertain significance (1 of 4 stars; one submission).

Conditions:
Mucopolysaccharidosis type 6 (MPS6). Also called: MPS 6; Maroteaux Lamy syndrome; MPS VI; N-ACETYLGALACTOSAMINE-4-SULFATASE DEFICIENCY; ARSB DEFICIENCY; ARYLSULFATASE B DEFICIENCY. Identifiers: Orphanet 583, MedGen C0026709, MONDO:0009661, OMIM 253200.

Allele frequency attached by ClinVar (database versions not stated): gnomAD exomes below 0.00001; TOPMed below 0.00001.
gnomAD v4.1: 1 of 1,614,084 alleles (0.000062%); highest among the groups gnomAD compares: Non-Finnish European, 0.000085%; no homozygotes.

Submission:

Labcorp Genetics (formerly Invitae), Labcorp
Classification: Uncertain significance for Mucopolysaccharidosis type 6. Last evaluated: 2022-06-20. Review status: criteria provided, single submitter. Criteria: Invitae Variant Classification Sherloc (09022015). Collection method: clinical testing. Allele origin: germline.
Comment: In summary, the available evidence is currently insufficient to determine the role of this variant in disease. Therefore, it has been classified as a Variant of Uncertain Significance. Algorithms developed to predict the effect of sequence changes on RNA splicing suggest that this variant may create or strengthen a splice site. Advanced modeling of protein sequence and biophysical properties (such as structural, functional, and spatial information, amino acid conservation, physicochemical variation, residue mobility, and thermodynamic stability) performed at Invitae indicates that this missense variant is expected to disrupt ARSB protein function. This variant has not been reported in the literature in individuals affected with ARSB-related conditions. This variant is not present in population databases (gnomAD no frequency). This sequence change replaces aspartic acid, which is acidic and polar, with glycine, which is neutral and non-polar, at codon 198 of the ARSB protein (p.Asp198Gly).